The following is an entry in ClinVar:

ClinVar aggregate classification (germline): Benign (0 of 4 stars; one submission).

Conditions:
FAT3-related disorder. Also called: FAT3-related condition.

Allele frequency attached by ClinVar (database versions not stated): ESP Exome Variant Server 0.00008; gnomAD exomes 0.00063; gnomAD 0.00103; TOPMed 0.00154; ExAC 0.00183; 1000 Genomes Project 30x 0.00344; 1000 Genomes Project 0.00419.
gnomAD v4.1: 1,086 of 1,611,526 alleles (0.067%); highest among the groups gnomAD compares: East Asian, 1.9%; 13 homozygotes.

Submission:

PreventionGenetics, part of Exact Sciences
Classification: Benign for FAT3-related condition. Last evaluated: 2019-04-01. Review status: no assertion criteria provided. Collection method: clinical testing. Allele origin: germline.
Comment: This variant is classified as benign based on ACMG/AMP sequence variant interpretation guidelines (Richards et al. 2015 PMID: 25741868, with internal and published modifications).

NM_001367949.2(FAT3):c.4308C>T (p.Thr1436=)

Gene: FAT3 (FAT atypical cadherin 3; plus strand). Cytogenetic location: 11q14.3.
Variant type: single nucleotide variant.
Coding change: c.4308C>T on transcript NM_001367949.2 (MANE Select); coding-DNA position 4308, C replaced by T.
Protein change: p.Thr1436=; no amino-acid change (threonine 1436 retained).
Molecular consequence: synonymous variant.
Genome position (GRCh38, 1-based): chr11:92,774,153, C>T. VCF-style: chr11-92774153-C-T. GRCh37 (hg19) VCF-style: chr11-92507319-C-T.
Other names: c.4308C>T, p.Thr1436= (NM_001008781.3).
Identifiers: ClinVar variation 3040015 (VCV003040015.2), dbSNP rs117883911, ClinGen allele CA6226894.